The following is an entry in ClinVar:

ClinVar aggregate classification (germline): Pathogenic (1 of 4 stars; one submission).

Conditions:
Alstrom syndrome (ALMS). Identifiers: Orphanet 64, MedGen C0268425, MONDO:0008763, OMIM 203800.

Submission:

Labcorp Genetics (formerly Invitae), Labcorp
Classification: Pathogenic for Alstrom syndrome. Last evaluated: 2022-05-27. Review status: criteria provided, single submitter. Criteria: Invitae Variant Classification Sherloc (09022015). Collection method: clinical testing. Allele origin: germline.
Comment: This sequence change affects an acceptor splice site in intron 18 of the ALMS1 gene. RNA analysis indicates that disruption of this splice site induces altered splicing and may result in an absent or disrupted protein product. This variant is not present in population databases (gnomAD no frequency). Disruption of this splice site has been observed in individual(s) with Alström syndrome (PMID: 19283855). It has also been observed to segregate with disease in related individuals. Studies have shown that disruption of this splice site results in skipping of exon 19 and introduces a premature termination codon (PMID: 19283855). The resulting mRNA is expected to undergo nonsense-mediated decay. For these reasons, this variant has been classified as Pathogenic.

Literature cited by the submitters: PubMed 19283855.

NM_001378454.1(ALMS1):c.11873-1G>C

Genes: ALMS1 (ALMS1 centrosome and basal body associated protein; plus strand), LOC126806252 (BRD4-independent group 4 enhancer GRCh37_chr2:73828496-73829695; plus strand). Cytogenetic location: 2p13.1.
Variant type: single nucleotide variant.
Coding change: c.11873-1G>C on transcript NM_001378454.1 (MANE Select); the canonical splice acceptor site of the intron before coding-DNA position 11873, G replaced by C.
Molecular consequence: splice acceptor variant.
Genome position (GRCh38, 1-based): chr2:73,601,194, G>C. VCF-style: chr2-73601194-G-C. GRCh37 (hg19) VCF-style: chr2-73828321-G-C.
Other names: c.11873-1G>C (NM_015120.4).
Identifiers: ClinVar variation 1456241 (VCV001456241.8), dbSNP rs2104195295, ClinGen allele CA347265337.